The following is an entry in ClinVar:

NM_004974.4(KCNA2):c.1169T>G (p.Val390Gly)

Gene: KCNA2 (potassium voltage-gated channel subfamily A member 2; minus strand). Cytogenetic location: 1p13.3.
Variant type: single nucleotide variant.
Coding change: c.1169T>G on transcript NM_004974.4 (MANE Select); coding-DNA position 1169, T replaced by G.
Protein change: p.Val390Gly; replaces valine 390 with glycine.
Molecular consequence: missense variant. On other transcripts: intron variant (1).
Genome position (GRCh38, 1-based): chr1:110,603,614, A>C on the plus strand (T>G on the coding strand, the complement: KCNA2 is on the minus strand). VCF-style: chr1-110603614-A-C. GRCh37 (hg19) VCF-style: chr1-111146236-A-C.
Other names: c.894+275T>G (NM_001204269.2); short protein forms V390G.
Identifiers: ClinVar variation 1428687 (VCV001428687.8), dbSNP rs2101396730, ClinGen allele CA341601513.

ClinVar aggregate classification (germline): Uncertain significance (1 of 4 stars; one submission).

Conditions:
Developmental and epileptic encephalopathy, 32 (DEE32). Also called: Epileptic encephalopathy, early infantile, 32. Identifiers: Orphanet 442835, MedGen C4225350, MONDO:0014607, OMIM 616366.

Submission:

Labcorp Genetics (formerly Invitae), Labcorp
Classification: Uncertain significance for Developmental and epileptic encephalopathy, 32. Last evaluated: 2022-09-19. Review status: criteria provided, single submitter. Criteria: Invitae Variant Classification Sherloc (09022015). Collection method: clinical testing. Allele origin: germline.
Comment: This sequence change replaces valine, which is neutral and non-polar, with glycine, which is neutral and non-polar, at codon 390 of the KCNA2 protein (p.Val390Gly). This variant is not present in population databases (gnomAD no frequency). This variant has not been reported in the literature in individuals affected with KCNA2-related conditions. ClinVar contains an entry for this variant (Variation ID: 1428687). Advanced modeling of protein sequence and biophysical properties (such as structural, functional, and spatial information, amino acid conservation, physicochemical variation, residue mobility, and thermodynamic stability) performed at Invitae indicates that this missense variant is expected to disrupt KCNA2 protein function. In summary, the available evidence is currently insufficient to determine the role of this variant in disease. Therefore, it has been classified as a Variant of Uncertain Significance.